The following is an entry in ClinVar:

ClinVar aggregate classification (germline): Conflicting classifications of pathogenicity. Review status: criteria provided, conflicting classifications (1 of 4 stars). 2 submissions from 2 submitters: Uncertain significance (1); Likely benign (1). Last evaluated 2025-04-14.

Conditions:
Dextro-looped transposition of the great arteries. Also called: Dextrotransposition of the great arteries. Identifiers: Orphanet 860, MedGen C3531771, MONDO:0019443, OMIM 608808, HP:0031348.
Inborn genetic diseases. Identifiers: MedGen C0950123, MeSH D030342.

Allele frequency attached by ClinVar (database versions not stated): gnomAD 0.00002; gnomAD exomes 0.00002; TOPMed 0.00002; ExAC 0.00004; ESP Exome Variant Server 0.00008.
gnomAD v4.1: 31 of 1,613,644 alleles (0.0019%); highest among the groups gnomAD compares: South Asian, 0.0055%; no homozygotes.

Submissions (2):

Ambry Genetics
Classification: Likely benign for Inborn genetic diseases. Last evaluated: 2025-04-14. Review status: criteria provided, single submitter. Criteria: Ambry Variant Classification Scheme 2023. Collection method: clinical testing. Allele origin: germline.

Labcorp Genetics (formerly Invitae), Labcorp
Classification: Uncertain significance for Dextro-looped transposition of the great arteries. Last evaluated: 2024-01-10. Review status: criteria provided, single submitter. Criteria: Invitae Variant Classification Sherloc (09022015). Collection method: clinical testing. Allele origin: germline.
Comment: This sequence change replaces threonine, which is neutral and polar, with methionine, which is neutral and non-polar, at codon 358 of the MED13L protein (p.Thr358Met). This variant is present in population databases (rs139163900, gnomAD 0.006%). This variant has not been reported in the literature in individuals affected with MED13L-related conditions. Advanced modeling of protein sequence and biophysical properties (such as structural, functional, and spatial information, amino acid conservation, physicochemical variation, residue mobility, and thermodynamic stability) performed at Invitae indicates that this missense variant is not expected to disrupt MED13L protein function with a negative predictive value of 80%. In summary, the available evidence is currently insufficient to determine the role of this variant in disease. Therefore, it has been classified as a Variant of Uncertain Significance.

NM_015335.5(MED13L):c.1073C>T (p.Thr358Met)

Gene: MED13L (mediator complex subunit 13L; minus strand). Cytogenetic location: 12q24.21.
Variant type: single nucleotide variant.
Coding change: c.1073C>T on transcript NM_015335.5 (MANE Select); coding-DNA position 1073, C replaced by T.
Protein change: p.Thr358Met; replaces threonine 358 with methionine.
Molecular consequence: missense variant.
Genome position (GRCh38, 1-based): chr12:116,015,211, G>A on the plus strand (C>T on the coding strand, the complement: MED13L is on the minus strand). VCF-style: chr12-116015211-G-A. GRCh37 (hg19) VCF-style: chr12-116453016-G-A.
Other names: c.1073C>T (NM_015335.4); short protein forms T358M.
Identifiers: ClinVar variation 2752620 (VCV002752620.4), dbSNP rs139163900, ClinGen allele CA6811508.
Genomic context (GRCh38, chr12:116,015,211, plus strand): 5'-TGGACCATATGATTGTGGAGTTTTGGAGGAATCTTCCCCGATCTCTTTGGACTGTGCATC[G>A]TTATCATCCCTCCATCTTGGGAAACCAGGTGACTGGCAGCACTCTGCATACCTCCACTCT-3'
Protein context (NP_056150.1, residues 348-368): HLVSQDGGMI[Thr358Met]MHSPKRSGKI